The following is an entry in ClinVar:

NC_000013.11:g.112015166T>C

Gene: SOX1-OT (SOX1 overlapping transcript; plus strand). Cytogenetic location: 13q34.
Variant type: single nucleotide variant.
Genome position: GRCh38 VCF-style: chr13-112015166-T-C. GRCh37 (hg19) VCF-style: chr13-112669480-T-C.
Identifiers: ClinVar variation 2643960 (VCV002643960.24), dbSNP rs28672677, ClinGen allele CA13824473.

ClinVar aggregate classification (germline): Likely benign (1 of 4 stars; one submission).

Allele frequency attached by ClinVar (database versions not stated): gnomAD 0.00132.

Submission:

CeGaT Center for Human Genetics Tuebingen
Classification: Likely benign. Last evaluated: 2022-11-01. Review status: criteria provided, single submitter. Criteria: CeGaT Center For Human Genetics Tuebingen Variant Classification Criteria Version 2. Collection method: clinical testing. Allele origin: germline. Affected: yes. Observed: 1 variant allele.
Comment: SOX1-OT: BS2